The following is an entry in ClinVar:

ClinVar aggregate classification (germline): Uncertain significance (1 of 4 stars; one submission).

Conditions:
Dextro-looped transposition of the great arteries. Also called: Dextrotransposition of the great arteries. Identifiers: Orphanet 860, MedGen C3531771, MONDO:0019443, OMIM 608808, HP:0031348.

Submission:

Labcorp Genetics (formerly Invitae), Labcorp
Classification: Uncertain significance for Dextro-looped transposition of the great arteries. Last evaluated: 2022-06-04. Review status: criteria provided, single submitter. Criteria: Invitae Variant Classification Sherloc (09022015). Collection method: clinical testing. Allele origin: germline.
Comment: Information on the frequency of this variant in the gnomAD database is not available, as this variant may be reported differently in the database. This variant, c.585_586delinsTT, is a complex sequence change that results in the deletion of 2 and insertion of 2 amino acid(s) in the MED13L protein (p.Glu195_His196delinsAspTyr). This variant has not been reported in the literature in individuals affected with MED13L-related conditions. Experimental studies and prediction algorithms are not available or were not evaluated, and the functional significance of this variant is currently unknown. In summary, the available evidence is currently insufficient to determine the role of this variant in disease. Therefore, it has been classified as a Variant of Uncertain Significance.

NM_015335.5(MED13L):c.585_586delinsTT (p.Glu195_His196delinsAspTyr)

Gene: MED13L (mediator complex subunit 13L; minus strand). Cytogenetic location: 12q24.21.
Variant type: Indel.
Coding change: c.585_586delinsTT on transcript NM_015335.5 (MANE Select); coding-DNA positions 585 to 586, GC replaced by TT.
Protein change: p.Glu195_His196delinsAspTyr.
Molecular consequence: missense variant.
Genome position (GRCh38, 1-based): chr12:116,022,495-116,022,496, GC replaced by AA on the plus strand (GC replaced by TT on the coding strand, the reverse complement: MED13L is on the minus strand). VCF-style: chr12-116022495-GC-AA. GRCh37 (hg19) VCF-style: chr12-116460300-GC-AA.
Identifiers: ClinVar variation 2039802 (VCV002039802.4), dbSNP rs2499952819, ClinGen allele CA2580085871.